The following is an entry in ClinVar:

ClinVar aggregate classification (germline): Uncertain significance. Review status: criteria provided, multiple submitters, no conflicts (2 of 4 stars). 2 submissions from 2 submitters: Uncertain significance (2). Last evaluated 2025-05-27.

Conditions:
Mosaic variegated aneuploidy syndrome 2 (MVA2). Identifiers: Orphanet 1052, MedGen C3279843, MONDO:0013582, OMIM 614114.
Inborn genetic diseases. Identifiers: MedGen C0950123, MeSH D030342.

Allele frequency attached by ClinVar (database versions not stated): TOPMed 0.00001; ExAC 0.00002; gnomAD exomes 0.00002.
gnomAD v4.1: 24 of 1,612,190 alleles (0.0015%); highest among the groups gnomAD compares: Middle Eastern, 0.033%; no homozygotes.

Submissions (2):

Labcorp Genetics (formerly Invitae), Labcorp
Classification: Uncertain significance for Mosaic variegated aneuploidy syndrome 2. Last evaluated: 2025-05-27. Review status: criteria provided, single submitter. Criteria: Invitae Variant Classification Sherloc (09022015). Collection method: clinical testing. Allele origin: germline.
Comment: This sequence change replaces leucine, which is neutral and non-polar, with phenylalanine, which is neutral and non-polar, at codon 496 of the CEP57 protein (p.Leu496Phe). The frequency data for this variant in the population databases is considered unreliable, as metrics indicate poor data quality at this position in the gnomAD database. This variant has not been reported in the literature in individuals affected with CEP57-related conditions. ClinVar contains an entry for this variant (Variation ID: 1505471). An algorithm developed to predict the effect of missense changes on protein structure and function (PolyPhen-2) suggests that this variant is likely to be disruptive. In summary, the available evidence is currently insufficient to determine the role of this variant in disease. Therefore, it has been classified as a Variant of Uncertain Significance.

Ambry Genetics
Classification: Uncertain significance for Inborn genetic diseases. Last evaluated: 2024-11-22. Review status: criteria provided, single submitter. Criteria: Ambry Variant Classification Scheme 2023. Collection method: clinical testing. Allele origin: germline.
Comment: The p.L496F variant (also known as c.1488G>C), located in coding exon 11 of the CEP57 gene, results from a G to C substitution at nucleotide position 1488. The leucine at codon 496 is replaced by phenylalanine, an amino acid with highly similar properties. This amino acid position is conserved. In addition, this alteration is predicted to be tolerated by in silico analysis. Based on the available evidence, the clinical significance of this variant remains unclear.

NM_014679.5(CEP57):c.1488G>C (p.Leu496Phe)

Gene: CEP57 (centrosomal protein 57; plus strand). Cytogenetic location: 11q21.
Variant type: single nucleotide variant.
Coding change: c.1488G>C on transcript NM_014679.5 (MANE Select); coding-DNA position 1488, G replaced by C.
Protein change: p.Leu496Phe; replaces leucine 496 with phenylalanine.
Molecular consequence: missense variant.
Genome position (GRCh38, 1-based): chr11:95,831,241, G>C. VCF-style: chr11-95831241-G-C. GRCh37 (hg19) VCF-style: chr11-95564405-G-C.
Other names: c.1488G>C (NM_014679.4); c.1461G>C, p.Leu487Phe (NM_001243776.2); c.1410G>C, p.Leu470Phe (NM_001243777.2); c.1407G>C, p.Leu469Phe (NM_001363604.2); short protein forms L470F, L469F, L487F, L496F.
Identifiers: ClinVar variation 1505471 (VCV001505471.7), dbSNP rs756433197, ClinGen allele CA6239797.